The following is an entry in ClinVar:

NM_001350451.2(RBFOX3):c.556C>A (p.Pro186Thr)

Gene: RBFOX3 (RNA binding fox-1 homolog 3; minus strand). Cytogenetic location: 17q25.3.
Variant type: single nucleotide variant.
Coding change: c.556C>A on transcript NM_001350451.2 (MANE Select); coding-DNA position 556, C replaced by A.
Protein change: p.Pro186Thr; replaces proline 186 with threonine.
Molecular consequence: missense variant.
Genome position (GRCh38, 1-based): chr17:79,101,596, G>T on the plus strand (C>A on the coding strand, the complement: RBFOX3 is on the minus strand). VCF-style: chr17-79101596-G-T. GRCh37 (hg19) VCF-style: chr17-77097678-G-T.
Other names: c.556C>A, p.Pro186Thr (NM_001082575.3, NM_001350453.2, NM_001385804.1 and 34 more transcripts); c.553C>A, p.Pro185Thr (NM_001385806.1, NM_001385822.1, NM_001385823.1 and 4 more transcripts); c.463C>A, p.Pro155Thr (NM_001385824.1); c.409C>A, p.Pro137Thr (NM_001385847.1); short protein forms P186T, P137T, P155T, P185T.
Identifiers: ClinVar variation 411175 (VCV000411175.7), dbSNP rs372072435, ClinGen allele CA16615968.

ClinVar aggregate classification (germline): Uncertain significance (1 of 4 stars; one submission).

Conditions:
Idiopathic generalized epilepsy. Also called: EIG; Generalised epilepsy. Identifiers: MedGen C0270850, MONDO:0005579, OMIM 600669.

Allele frequency attached by ClinVar (database versions not stated): TOPMed 0.00001; ESP Exome Variant Server 0.00022.
gnomAD v4.1: 4 of 1,551,204 alleles (0.00026%); highest among the groups gnomAD compares: Non-Finnish European, 0.00035%; no homozygotes.

Submission:

Labcorp Genetics (formerly Invitae), Labcorp
Classification: Uncertain significance for Idiopathic generalized epilepsy. Last evaluated: 2016-06-01. Review status: criteria provided, single submitter. Criteria: Invitae Variant Classification Sherloc (09022015). Collection method: clinical testing. Allele origin: germline.
Comment: Algorithms developed to predict the effect of missense changes on protein structure and function (SIFT, PolyPhen-2, Align-GVGD) all suggest that this variant is likely to be disruptive, but these predictions have not been confirmed by published functional studies. In summary, this variant is a novel missense change with uncertain impact on protein function. It has been classified as a Variant of Uncertain Significance. This variant is not present in population databases (ExAC no frequency) and has not been reported in the literature in individuals with a RBFOX3-related disease. This sequence change replaces proline with threonine at codon 186 of the RBFOX3 protein (p.Pro186Thr). The proline residue is highly conserved and there is a small physicochemical difference between proline and threonine. Comment